The following is an entry in ClinVar:

NM_007294.4(BRCA1):c.4243G>C (p.Glu1415Gln)

Gene: BRCA1 (BRCA1 DNA repair associated; minus strand). Cytogenetic location: 17q21.31.
Variant type: single nucleotide variant.
Coding change: c.4243G>C on transcript NM_007294.4 (MANE Select); coding-DNA position 4243, G replaced by C.
Protein change: p.Glu1415Gln; replaces glutamic acid 1415 with glutamine.
Molecular consequence: missense variant. On other transcripts: non-coding transcript variant (1).
Genome position (GRCh38, 1-based): chr17:43,082,518, C>G on the plus strand (G>C on the coding strand, the complement: BRCA1 is on the minus strand). VCF-style: chr17-43082518-C-G. GRCh37 (hg19) VCF-style: chr17-41234535-C-G.
Other names: c.3862G>C, p.Glu1288Gln (NM_001407959.1, NM_001407960.1); c.3355G>C, p.Glu1119Gln (NM_001407966.1, NM_001407967.1); c.3859G>C, p.Glu1287Gln (NM_001407962.1, NM_001407963.1); c.4117G>C, p.Glu1373Gln (NM_001407681.1, NM_001407675.1, NM_001407676.1 and 12 more transcripts); c.4120G>C, p.Glu1374Gln (NM_001407677.1, NM_001407678.1, NM_001407679.1 and 13 more transcripts); c.4099G>C, p.Glu1367Gln (NM_001407964.1, NM_001407740.1, NM_001407741.1 and 23 more transcripts); c.3736G>C, p.Glu1246Gln (NM_001407965.1); c.4240G>C, p.Glu1414Gln (NM_001407612.1, NM_001407613.1, NM_001407614.1 and 21 more transcripts); and 51 more; short protein forms E1415Q, E1368Q, E312Q, E1303Q, E1304Q, E1326Q, E1343Q, E1347Q.
Identifiers: ClinVar variation 462640 (VCV000462640.11), dbSNP rs1057519558, ClinGen allele CA10593236.

ClinVar aggregate classification (germline): Uncertain significance. Review status: criteria provided, multiple submitters, no conflicts (2 of 4 stars). 2 submissions from 2 submitters: Uncertain significance (2). Last evaluated 2025-09-29.

Conditions:
Hereditary breast ovarian cancer syndrome. Also called: Hereditary breast and ovarian cancer syndrome (HBOC); Hereditary breast and ovarian cancer syndrome; Breast and ovarian cancer; Hereditary breast and/or ovarian cancer syndrome; Hereditary breast and ovarian cancer; BRCA1- and BRCA2-Associated Hereditary Breast and Ovarian Cancer. Identifiers: Orphanet 145, MedGen C0677776, MeSH D061325, MONDO:0003582. Disease mechanism: loss of function.
Hereditary cancer-predisposing syndrome. Also called: Neoplastic Syndromes, Hereditary; Hereditary Cancer Syndrome; Hereditary neoplastic syndrome; Tumor predisposition. Identifiers: Orphanet 140162, MedGen C0027672, MeSH D009386, MONDO:0015356.

Allele frequency attached by ClinVar (database versions not stated): TOPMed below 0.00001.

Submissions (2):

Labcorp Genetics (formerly Invitae), Labcorp
Classification: Uncertain significance for Hereditary breast ovarian cancer syndrome. Last evaluated: 2025-09-29. Review status: criteria provided, single submitter. Criteria: Invitae Variant Classification Sherloc (09022015). Collection method: clinical testing. Allele origin: germline.
Comment: This sequence change replaces glutamic acid, which is acidic and polar, with glutamine, which is neutral and polar, at codon 1415 of the BRCA1 protein (p.Glu1415Gln). This variant is not present in population databases (gnomAD no frequency). This variant has not been reported in the literature in individuals affected with BRCA1-related conditions. ClinVar contains an entry for this variant (Variation ID: 462640). Invitae Evidence Modeling of protein sequence and biophysical properties (such as structural, functional, and spatial information, amino acid conservation, physicochemical variation, residue mobility, and thermodynamic stability) indicates that this missense variant is expected to disrupt BRCA1 protein function with a positive predictive value of 80%. In summary, the available evidence is currently insufficient to determine the role of this variant in disease. Therefore, it has been classified as a Variant of Uncertain Significance.

Color Diagnostics, LLC DBA Color Health
Classification: Uncertain significance for Hereditary cancer-predisposing syndrome. Last evaluated: 2019-04-08. Review status: criteria provided, single submitter. Criteria: ACMG Guidelines, 2015. Collection method: clinical testing. Allele origin: germline.